The following is an entry in ClinVar:

ClinVar aggregate classification (germline): Conflicting classifications of pathogenicity. Review status: criteria provided, conflicting classifications (1 of 4 stars). 4 submissions from 4 submitters: Uncertain significance (1); Benign (1); Likely benign (2). Last evaluated 2024-12-13.

Conditions:
Inborn genetic diseases. Identifiers: MedGen C0950123, MeSH D030342.
Dextro-looped transposition of the great arteries. Also called: Dextrotransposition of the great arteries. Identifiers: Orphanet 860, MedGen C3531771, MONDO:0019443, OMIM 608808, HP:0031348.

Allele frequency attached by ClinVar (database versions not stated): ExAC 0.00001; gnomAD exomes 0.00002; gnomAD 0.00005 and 0.00006.
gnomAD v4.1: 34 of 1,602,558 alleles (0.0021%); highest among the groups gnomAD compares: South Asian, 0.0099%; no homozygotes.

Submissions (4):

Women's Health and Genetics/Laboratory Corporation of America, LabCorp
Classification: Uncertain significance. Last evaluated: 2024-12-13. Review status: criteria provided, single submitter. Criteria: LabCorp Variant Classification Summary - May 2015. Collection method: clinical testing. Allele origin: germline.
Comment: Variant summary: MED13L c.3068C>T (p.Thr1023Met) results in a non-conservative amino acid change in the encoded protein sequence. Three of five in-silico tools predict a benign effect of the variant on protein function. The variant allele was found at a frequency of 1.7e-05 in 241588 control chromosomes. The available data on variant occurrences in the general population are insufficient to allow any conclusion about variant significance. To our knowledge, no occurrence of c.3068C>T in individuals affected with Intellectual Disability And Distinctive Facial Features With Or Without Cardiac Defects and no experimental evidence demonstrating its impact on protein function have been reported. ClinVar contains an entry for this variant (Variation ID: 1214164). Based on the evidence outlined above, the variant was classified as uncertain significance.

Ambry Genetics
Classification: Likely benign for Inborn genetic diseases. Last evaluated: 2023-10-10. Review status: criteria provided, single submitter. Criteria: Ambry Variant Classification Scheme 2023. Collection method: clinical testing. Allele origin: germline.

Labcorp Genetics (formerly Invitae), Labcorp
Classification: Benign for Dextro-looped transposition of the great arteries. Last evaluated: 2023-08-05. Review status: criteria provided, single submitter. Criteria: Invitae Variant Classification Sherloc (09022015). Collection method: clinical testing. Allele origin: germline.

GeneDx
Classification: Likely benign. Last evaluated: 2019-05-31. Review status: criteria provided, single submitter. Criteria: GeneDx Variant Classification Process June 2021. Collection method: clinical testing. Allele origin: germline. Affected: yes.

NM_015335.5(MED13L):c.3068C>T (p.Thr1023Met)

Gene: MED13L (mediator complex subunit 13L; minus strand). Cytogenetic location: 12q24.21.
Variant type: single nucleotide variant.
Coding change: c.3068C>T on transcript NM_015335.5 (MANE Select); coding-DNA position 3068, C replaced by T.
Protein change: p.Thr1023Met; replaces threonine 1023 with methionine.
Molecular consequence: missense variant.
Genome position (GRCh38, 1-based): chr12:115,991,886, G>A on the plus strand (C>T on the coding strand, the complement: MED13L is on the minus strand). VCF-style: chr12-115991886-G-A. GRCh37 (hg19) VCF-style: chr12-116429691-G-A.
Other names: short protein forms T1023M.
Identifiers: ClinVar variation 1214164 (VCV001214164.10), dbSNP rs747244814, ClinGen allele CA6811031.